The following is an entry in ClinVar:

NM_152618.3(BBS12):c.1299A>G (p.Val433=)

Gene: BBS12 (Bardet-Biedl syndrome 12; plus strand). Cytogenetic location: 4q27.
Variant type: single nucleotide variant.
Coding change: c.1299A>G on transcript NM_152618.3 (MANE Select); coding-DNA position 1299, A replaced by G.
Protein change: p.Val433=; no amino-acid change (valine 433 retained).
Molecular consequence: synonymous variant.
Genome position (GRCh38, 1-based): chr4:122,743,191, A>G. VCF-style: chr4-122743191-A-G. GRCh37 (hg19) VCF-style: chr4-123664346-A-G.
Other names: c.1299A>G (NM_152618.2); c.1299A>G, p.Val433= (NM_001178007.2).
Identifiers: ClinVar variation 1100389 (VCV001100389.8), dbSNP rs764582469, ClinGen allele CA3069419.

ClinVar aggregate classification (germline): Likely benign. Review status: criteria provided, multiple submitters, no conflicts (2 of 4 stars). 2 submissions from 2 submitters: Likely benign (2). Last evaluated 2025-12-14.

Conditions:
Bardet-Biedl syndrome (BBS). Identifiers: Orphanet 110, MedGen C0752166, MONDO:0015229.
BBS12-related disorder. Also called: BBS12-related condition.

Allele frequency attached by ClinVar (database versions not stated): ExAC 0.00001; gnomAD 0.00001; gnomAD exomes below 0.00001; TOPMed below 0.00001.

Submissions (2):

Labcorp Genetics (formerly Invitae), Labcorp
Classification: Likely benign for Bardet-Biedl syndrome. Last evaluated: 2025-12-14. Review status: criteria provided, single submitter. Criteria: Invitae Variant Classification Sherloc (09022015). Collection method: clinical testing. Allele origin: germline.

PreventionGenetics, part of Exact Sciences
Classification: Likely benign for BBS12-related condition. Last evaluated: 2025-05-21. Review status: criteria provided, single submitter. Criteria: ACMG Guidelines, 2015. Collection method: clinical testing. Allele origin: germline.
Comment: This variant is classified as likely benign based on ACMG/AMP sequence variant interpretation guidelines (Richards et al. 2015 PMID: 25741868, with internal and published modifications).